The following is an entry in ClinVar:

NM_003002.4(SDHD):c.49C>T (p.Arg17Ter)

Genes: SDHD (succinate dehydrogenase complex subunit D; plus strand), LOC126861339 (BRD4-independent group 4 enhancer GRCh37_chr11:111957035-111958234; plus strand). Cytogenetic location: 11q23.1.
Variant type: single nucleotide variant.
Coding change: c.49C>T on transcript NM_003002.4 (MANE Select); coding-DNA position 49, C replaced by T.
Protein change: p.Arg17Ter; replaces arginine 17 with a stop codon.
Molecular consequence: nonsense. On other transcripts: non-coding transcript variant (1).
Genome position (GRCh38, 1-based): chr11:112,086,956, C>T. VCF-style: chr11-112086956-C-T. GRCh37 (hg19) VCF-style: chr11-111957680-C-T.
Other names: c.49C>T, p.Arg17Ter (NM_001276503.2, NM_001276504.2, NM_001276506.2); short protein forms R17*.
Identifiers: ClinVar variation 1319258 (VCV001319258.39), dbSNP rs1314133983, ClinGen allele CA382616759.

ClinVar aggregate classification (germline): Pathogenic. Review status: criteria provided, multiple submitters, no conflicts (2 of 4 stars). 6 submissions from 6 submitters: Pathogenic (6). Last evaluated 2025-08-25.

Conditions:
Carney-Stratakis syndrome. Also called: PARAGANGLIOMA AND GASTROINTESTINAL STROMAL TUMOR. Identifiers: Orphanet 97286, MedGen C1847319, MONDO:0011740, OMIM 606864.
Cowden syndrome 3 (CWS3). Identifiers: Orphanet 201, MedGen CN166604, MONDO:0014045.
Pheochromocytoma. Also called: MAX-Related Hereditary Paraganglioma-Pheochromocytoma Syndrome. Identifiers: Orphanet 29072, MedGen C0031511, MONDO:0008233, OMIM 171300, HP:0002666.
Paragangliomas with sensorineural hearing loss. Identifiers: MedGen C1868633.
Hereditary cancer-predisposing syndrome. Also called: Hereditary Cancer Syndrome; Tumor predisposition; Neoplastic Syndromes, Hereditary; Hereditary neoplastic syndrome. Identifiers: Orphanet 140162, MedGen C0027672, MeSH D009386, MONDO:0015356.
Pheochromocytoma/paraganglioma syndrome 1. Also called: PARAGANGLIOMATA; Paragangliomas 1; Glomus tumors familial 1; PARAGANGLIOMAS, FAMILIAL NONCHROMAFFIN, 1; PGL 1; Paragangliomas familial 1. Identifiers: Orphanet 29072, MedGen C3494181, MONDO:0008192, OMIM 168000.

Submissions (6):

Labcorp Genetics (formerly Invitae), Labcorp
Classification: Pathogenic for Carney-Stratakis syndrome; Paragangliomas with sensorineural hearing loss; Pheochromocytoma; Cowden syndrome 3. Last evaluated: 2025-08-25. Review status: criteria provided, single submitter. Criteria: Invitae Variant Classification Sherloc (09022015). Collection method: clinical testing. Allele origin: germline.
Comment: This sequence change creates a premature translational stop signal (p.Arg17*) in the SDHD gene. It is expected to result in an absent or disrupted protein product. Loss-of-function variants in SDHD are known to be pathogenic (PMID: 19454582, 19802898). This variant is not present in population databases (gnomAD no frequency). This premature translational stop signal has been observed in individual(s) with paraganglioma (PMID: 18213727, 30050099). ClinVar contains an entry for this variant (Variation ID: 1319258). For these reasons, this variant has been classified as Pathogenic.

Ambry Genetics
Classification: Pathogenic for Hereditary cancer-predisposing syndrome. Last evaluated: 2025-07-07. Review status: criteria provided, single submitter. Criteria: Ambry Variant Classification Scheme 2023. Collection method: clinical testing. Allele origin: germline.
Comment: The p.R17* pathogenic mutation (also known as c.49C>T), located in coding exon 1 of the SDHD gene, results from a C to T substitution at nucleotide position 49. This changes the amino acid from an arginine to a stop codon within coding exon 1. This variant has been detected in multiple individuals with paraganglioma-pheochromocytoma (PGL-PCC) syndrome (Papaspyrou K et al. Head Neck, 2008 Jul;30:964-9; Poeppel TD et al. J Clin Oncol, 2011 Nov;29:e812-5; Richter S et al. Genet Med, 2019 03;21:705-717; Gieldon L et al. Cancers (Basel), 2019 Jun;11; Choi H et al. Endocrinol Metab (Seoul), 2020 12;35:858-872; Ma X et al. Front Endocrinol (Lausanne), 2020 Dec;11:574662). This variant is considered to be rare based on population cohorts in the Genome Aggregation Database (gnomAD). This alteration is expected to result in loss of function by premature protein truncation or nonsense-mediated mRNA decay. As such, this alteration is interpreted as a disease-causing mutation.

CeGaT Center for Human Genetics Tuebingen
Classification: Pathogenic. Last evaluated: 2025-03-01. Review status: criteria provided, single submitter. Criteria: CeGaT Center For Human Genetics Tuebingen Variant Classification Criteria Version 2. Collection method: clinical testing. Allele origin: germline. Affected: yes. Observed: 1 variant allele.
Comment: SDHD: PVS1, PM2, PS4:Moderate

Myriad Genetics, Inc.
Classification: Pathogenic for Pheochromocytoma/paraganglioma syndrome 1. Last evaluated: 2023-08-08. Review status: criteria provided, single submitter. Criteria: Myriad Autosomal Dominant, Autosomal Recessive and X-Linked Classification Criteria (2023). Collection method: clinical testing. Allele origin: unknown.
Comment: This variant is considered pathogenic. This variant creates a termination codon and is predicted to result in premature protein truncation.

GeneDx
Classification: Pathogenic. Last evaluated: 2023-01-27. Review status: criteria provided, single submitter. Criteria: GeneDx Variant Classification Process June 2021. Collection method: clinical testing. Allele origin: germline. Affected: yes.
Comment: Nonsense variant predicted to result in protein truncation or nonsense mediated decay in a gene for which loss of function is a known mechanism of disease; Not observed at significant frequency in large population cohorts (gnomAD); This variant is associated with the following publications: (PMID: 30050099, 18213727, 33397040, 31212687)

Institute for Clinical Genetics, University Hospital TU Dresden, University Hospital TU Dresden
Classification: Pathogenic. Last evaluated: 2021-11-03. Review status: criteria provided, single submitter. Criteria: ACMG Guidelines, 2015. Collection method: clinical testing. Allele origin: germline.

Literature cited by the submitters: PubMed 19454582 (cited by Labcorp Genetics (formerly Invitae), Labcorp); PubMed 19802898 (cited by Labcorp Genetics (formerly Invitae), Labcorp); PubMed 18213727 (cited by Labcorp Genetics (formerly Invitae), Labcorp and Ambry Genetics); PubMed 30050099 (cited by Labcorp Genetics (formerly Invitae), Labcorp and Ambry Genetics); PubMed 22025150 (cited by Ambry Genetics); PubMed 31212687 (cited by Ambry Genetics); PubMed 33362715 (cited by Ambry Genetics); PubMed 33397040 (cited by Ambry Genetics).